The following is an entry in ClinVar:

NM_000321.3(RB1):c.1069C>A (p.Pro357Thr)

Gene: RB1 (RB transcriptional corepressor 1; plus strand). Cytogenetic location: 13q14.2.
Variant type: single nucleotide variant.
Coding change: c.1069C>A on transcript NM_000321.3 (MANE Select); coding-DNA position 1069, C replaced by A.
Protein change: p.Pro357Thr; replaces proline 357 with threonine.
Molecular consequence: missense variant.
Genome position (GRCh38, 1-based): chr13:48,368,546, C>A. VCF-style: chr13-48368546-C-A. GRCh37 (hg19) VCF-style: chr13-48942682-C-A.
Other names: c.1069C>A, p.Pro357Thr (NM_001407165.1, NM_001407166.1); short protein forms P357T.
Identifiers: ClinVar variation 1782691 (VCV001782691.6), dbSNP rs568421803, ClinGen allele CA388161138.

ClinVar aggregate classification (germline): Uncertain significance. Review status: criteria provided, multiple submitters, no conflicts (2 of 4 stars). 2 submissions from 2 submitters: Uncertain significance (2). Last evaluated 2025-05-05.

Conditions:
Hereditary cancer-predisposing syndrome. Also called: Neoplastic Syndromes, Hereditary; Tumor predisposition; Hereditary Cancer Syndrome; Hereditary neoplastic syndrome. Identifiers: Orphanet 140162, MedGen C0027672, MeSH D009386, MONDO:0015356.
Retinoblastoma (RB1). Also called: RETINOBLASTOMA, SOMATIC. Identifiers: Orphanet 790, MedGen C0035335, MeSH D012175, MONDO:0008380, OMIM 180200, HP:0009919. Disease mechanism: loss of function. Inheritance: Both sporadic and heritable forms are tested..

Submissions (2):

Ambry Genetics
Classification: Uncertain significance for Hereditary cancer-predisposing syndrome. Last evaluated: 2025-05-05. Review status: criteria provided, single submitter. Criteria: Ambry Variant Classification Scheme 2023. Collection method: clinical testing. Allele origin: germline.
Comment: The p.P357T variant (also known as c.1069C>A), located in coding exon 11 of the RB1 gene, results from a C to A substitution at nucleotide position 1069. The proline at codon 357 is replaced by threonine, an amino acid with highly similar properties. This amino acid position is highly conserved in available vertebrate species. In addition, this alteration is predicted to be deleterious by in silico analysis. Since supporting evidence is limited at this time, the clinical significance of this alteration remains unclear.

Labcorp Genetics (formerly Invitae), Labcorp
Classification: Uncertain significance for Retinoblastoma. Last evaluated: 2024-10-22. Review status: criteria provided, single submitter. Criteria: Invitae Variant Classification Sherloc (09022015). Collection method: clinical testing. Allele origin: germline.
Comment: This sequence change replaces proline, which is neutral and non-polar, with threonine, which is neutral and polar, at codon 357 of the RB1 protein (p.Pro357Thr). This variant is not present in population databases (gnomAD no frequency). This variant has not been reported in the literature in individuals affected with RB1-related conditions. ClinVar contains an entry for this variant (Variation ID: 1782691). Invitae Evidence Modeling of protein sequence and biophysical properties (such as structural, functional, and spatial information, amino acid conservation, physicochemical variation, residue mobility, and thermodynamic stability) has been performed for this missense variant. However, the output from this modeling did not meet the statistical confidence thresholds required to predict the impact of this variant on RB1 protein function. In summary, the available evidence is currently insufficient to determine the role of this variant in disease. Therefore, it has been classified as a Variant of Uncertain Significance.